The following is an entry in ClinVar:

ClinVar aggregate classification (germline): Uncertain significance (1 of 4 stars; one submission).

Conditions:
Hereditary sensory and autonomic neuropathy type 6. Also called: HSAN VI; Neuropathy, hereditary sensory and autonomic, type VI. Identifiers: Orphanet 314381, MedGen C3539003, MONDO:0013839, OMIM 614653.
Epidermolysis bullosa simplex 3, localized or generalized intermediate, with BP230 deficiency (EBS3). Also called: Epidermolysis bullosa simplex, autosomal recessive 2; Epidermolysis bullosa simplex due to BP230 deficiency. Identifiers: Orphanet 412181, MedGen C3809470, MONDO:0014180, OMIM 615425.

Submission:

Labcorp Genetics (formerly Invitae), Labcorp
Classification: Uncertain significance for Epidermolysis bullosa simplex 3, localized or generalized intermediate, with BP230 deficiency; Hereditary sensory and autonomic neuropathy type 6. Last evaluated: 2023-12-30. Review status: criteria provided, single submitter. Criteria: Invitae Variant Classification Sherloc (09022015). Collection method: clinical testing. Allele origin: germline.
Comment: The DST gene has multiple clinically relevant transcripts. This variant occurs in alternate transcript NM_015548.4, and corresponds to NM_001723.5:c.*125913T>C in the primary transcript. This sequence change affects codon 4298 of the DST mRNA. It is a 'silent' change, meaning that it does not change the encoded amino acid sequence of the DST protein. This variant is not present in population databases (gnomAD no frequency). This variant has not been reported in the literature in individuals affected with DST-related conditions. Experimental studies and prediction algorithms are not available or were not evaluated, and the effect of this variant on mRNA splicing is currently unknown. In summary, the available evidence is currently insufficient to determine the role of this variant in disease. Therefore, it has been classified as a Variant of Uncertain Significance.

NM_001374736.1(DST):c.20763T>C (p.His6921=)

Gene: DST (dystonin; minus strand). Cytogenetic location: 6p12.1.
Variant type: single nucleotide variant.
Coding change: c.20763T>C on transcript NM_001374736.1 (MANE Select); coding-DNA position 20763, T replaced by C.
Protein change: p.His6921=; no amino-acid change (histidine 6921 retained).
Molecular consequence: synonymous variant.
Genome position (GRCh38, 1-based): chr6:56,489,604, A>G on the plus strand (T>C on the coding strand, the complement: DST is on the minus strand). VCF-style: chr6-56489604-A-G. GRCh37 (hg19) VCF-style: chr6-56354402-A-G.
Other names: c.14406T>C, p.His4802= (NM_001144769.5); c.13992T>C, p.His4664= (NM_001144770.2); c.20763T>C, p.His6921= (NM_001374722.1); c.19803T>C, p.His6601= (NM_001374729.1); c.13545T>C, p.His4515= (NM_001374730.1); c.20790T>C, p.His6930= (NM_001374734.1); c.13872T>C, p.His4624= (NM_001386100.1, NM_183380.4); c.12894T>C, p.His4298= (NM_015548.5).
Identifiers: ClinVar variation 2932969 (VCV002932969.3), dbSNP rs2533877321, ClinGen allele CA450488524.